The following is an entry in ClinVar:

ClinVar aggregate classification (germline): Uncertain significance (1 of 4 stars; one submission).

Conditions:
Hereditary cancer-predisposing syndrome. Also called: Neoplastic Syndromes, Hereditary; Tumor predisposition; Hereditary Cancer Syndrome; Hereditary neoplastic syndrome. Identifiers: Orphanet 140162, MedGen C0027672, MeSH D009386, MONDO:0015356.

Submission:

Color Diagnostics, LLC DBA Color Health
Classification: Uncertain significance for Hereditary cancer-predisposing syndrome. Last evaluated: 2024-12-10. Review status: criteria provided, single submitter. Criteria: ACMG Guidelines, 2015. Collection method: clinical testing. Allele origin: germline.
Comment: This missense variant replaces aspartic acid with tyrosine at codon 952 of the PALB2 protein. Computational prediction suggests that this variant may not impact protein structure and function (internally defined REVEL score threshold <= 0.5, PMID: 27666373). To our knowledge, functional studies have not been reported for this variant. This variant has not been reported in individuals affected with PALB2-related disorders in the literature. This variant has not been identified in the general population by the Genome Aggregation Database (gnomAD). The available evidence is insufficient to determine the role of this variant in disease conclusively. Therefore, this variant is classified as a Variant of Uncertain Significance.

NM_024675.4(PALB2):c.2854G>T (p.Asp952Tyr)

Gene: PALB2 (partner and localizer of BRCA2; minus strand). Cytogenetic location: 16p12.2.
Variant type: single nucleotide variant.
Coding change: c.2854G>T on transcript NM_024675.4 (MANE Select); coding-DNA position 2854, G replaced by T.
Protein change: p.Asp952Tyr; replaces aspartic acid 952 with tyrosine.
Molecular consequence: missense variant. On other transcripts: intron variant (1).
Genome position (GRCh38, 1-based): chr16:23,623,111, C>A on the plus strand (G>T on the coding strand, the complement: PALB2 is on the minus strand). VCF-style: chr16-23623111-C-A. GRCh37 (hg19) VCF-style: chr16-23634432-C-A.
Other names: c.2794G>T, p.Asp932Tyr (NM_001407296.1); c.2782G>T, p.Asp928Tyr (NM_001407297.1); c.2692G>T, p.Asp898Tyr (NM_001407298.1, NM_001407302.1); c.2854G>T, p.Asp952Tyr (NM_001407299.1, NM_001407301.1); c.1969G>T, p.Asp657Tyr (NM_001407304.1, NM_001407305.1, NM_001407306.1 and 4 more transcripts); c.1807G>T, p.Asp603Tyr (NM_001407307.1); c.1066G>T, p.Asp356Tyr (NM_001407312.1, NM_001407313.1); c.388G>T, p.Asp130Tyr (NM_001407314.1); and 1 more; short protein forms D130Y, D356Y, D603Y, D657Y, D898Y, D928Y, D932Y, D952Y.
Identifiers: ClinVar variation 3893903 (VCV003893903.1).
Genomic context (GRCh38, chr16:23,623,111, plus strand): 5'-GGCCAAGCACAGCTTTTATATTTCCAGACTTCAGTAGTACTTGCTTTTCACTTTCATCAT[C>A]AGAGGAACAAAACAATGCCCTAAGCCAAATATAAGGAAAAATGGGGTGATGTGAGGAGTA-3'
Protein context (NP_078951.2, residues 942-962): REIRALFCSS[Asp952Tyr]DESEKQVLLK